The following is an entry in ClinVar:

NM_174912.4(FAAH2):c.629A>G (p.Glu210Gly)

Gene: FAAH2 (fatty acid amide hydrolase 2; plus strand). Cytogenetic location: Xp11.21.
Variant type: single nucleotide variant.
Coding change: c.629A>G on transcript NM_174912.4 (MANE Select); coding-DNA position 629, A replaced by G.
Protein change: p.Glu210Gly; replaces glutamic acid 210 with glycine.
Molecular consequence: missense variant. On other transcripts: non-coding transcript variant (2).
Genome position (GRCh38, 1-based): chrX:57,341,277, A>G. VCF-style: chrX-57341277-A-G. GRCh37 (hg19) VCF-style: chrX-57367710-A-G.
Other names: c.629A>G, p.Glu210Gly (NM_001353840.1); c.419A>G, p.Glu140Gly (NM_001353841.1); short protein forms E140G, E210G.
Identifiers: ClinVar variation 4996437 (VCV004996437.1).

ClinVar aggregate classification (germline): Uncertain significance (1 of 4 stars; one submission).

Conditions:
FAAH2-related disorder. Also called: FAAH2-related condition.

Submission:

PreventionGenetics, part of Exact Sciences
Classification: Uncertain significance for FAAH2-related condition. Last evaluated: 2026-08-09. Review status: criteria provided, single submitter. Criteria: ACMG Guidelines, 2015. Collection method: clinical testing. Allele origin: germline.
Comment: The FAAH2 c.629A>G variant is predicted to result in the amino acid substitution p.Glu210Gly. To our knowledge, this variant has not been reported in the literature or in a large population database (gnomAD), indicating this variant is rare. At this time, the clinical significance of this variant is uncertain due to the absence of conclusive functional and genetic evidence.